The following is an entry in ClinVar:

NM_002500.5(NEUROD1):c.938G>T (p.Ser313Ile)

Gene: NEUROD1 (neuronal differentiation 1; minus strand). Cytogenetic location: 2q31.3.
Variant type: single nucleotide variant.
Coding change: c.938G>T on transcript NM_002500.5 (MANE Select); coding-DNA position 938, G replaced by T.
Protein change: p.Ser313Ile; replaces serine 313 with isoleucine.
Molecular consequence: missense variant.
Genome position (GRCh38, 1-based): chr2:181,677,923, C>A on the plus strand (G>T on the coding strand, the complement: NEUROD1 is on the minus strand). VCF-style: chr2-181677923-C-A. GRCh37 (hg19) VCF-style: chr2-182542650-C-A.
Other names: short protein forms S313I.
Identifiers: ClinVar variation 4736619 (VCV004736619.1).
Genomic context (GRCh38, chr2:181,677,923, plus strand): 5'-ATATTGTCTATGGGGATCTCGCAGCGAGGGGCAGCGGTGCCTGAGAAGATTGATCCGTGG[C>A]TTTGGGCCCCTGCCAGTGTCGCTGCAGGATAGTGCATGGTAAAGGCATAATTTTTCTCAA-3'
Protein context (NP_002491.3, residues 303-323): YPAATLAGAQ[Ser313Ile]HGSIFSGTAA

ClinVar aggregate classification (germline): Uncertain significance (1 of 4 stars; one submission).

gnomAD v4.1: 1 of 1,614,182 alleles (0.000062%); highest among the groups gnomAD compares: South Asian, 0.0011%; no homozygotes.

Submission:

Labcorp Genetics (formerly Invitae), Labcorp
Classification: Uncertain significance. Last evaluated: 2025-12-03. Review status: criteria provided, single submitter. Criteria: Invitae Variant Classification Sherloc (09022015). Collection method: clinical testing. Allele origin: germline.
Comment: This sequence change replaces serine, which is neutral and polar, with isoleucine, which is neutral and non-polar, at codon 313 of the NEUROD1 protein (p.Ser313Ile). This variant is not present in population databases (gnomAD no frequency). This variant has not been reported in the literature in individuals affected with NEUROD1-related conditions. Invitae Evidence Modeling of protein sequence and biophysical properties (such as structural, functional, and spatial information, amino acid conservation, physicochemical variation, residue mobility, and thermodynamic stability) indicates that this missense variant is not expected to disrupt NEUROD1 protein function with a negative predictive value of 80%. In summary, the available evidence is currently insufficient to determine the role of this variant in disease. Therefore, it has been classified as a Variant of Uncertain Significance.